The following is an entry in ClinVar:

ClinVar aggregate classification (germline): Uncertain significance (1 of 4 stars; one submission).

Allele frequency attached by ClinVar (database versions not stated): gnomAD exomes below 0.00001; gnomAD 0.00001; TOPMed 0.00001.
gnomAD v4.1: 2 of 1,614,002 alleles (0.00012%); highest among the groups gnomAD compares: African/African-American, 0.0013%; no homozygotes.

Submission:

Labcorp Genetics (formerly Invitae), Labcorp
Classification: Uncertain significance. Last evaluated: 2023-07-07. Review status: criteria provided, single submitter. Criteria: Invitae Variant Classification Sherloc (09022015). Collection method: clinical testing. Allele origin: germline.
Comment: This variant is not present in population databases (gnomAD no frequency). In summary, the available evidence is currently insufficient to determine the role of this variant in disease. Therefore, it has been classified as a Variant of Uncertain Significance. An algorithm developed to predict the effect of missense changes on protein structure and function (PolyPhen-2) suggests that this variant is likely to be tolerated. ClinVar contains an entry for this variant (Variation ID: 1364576). This variant has not been reported in the literature in individuals affected with ADAMTS10-related conditions. This sequence change replaces glutamic acid, which is acidic and polar, with aspartic acid, which is acidic and polar, at codon 333 of the ADAMTS10 protein (p.Glu333Asp).

NM_030957.4(ADAMTS10):c.999G>T (p.Glu333Asp)

Gene: ADAMTS10 (ADAM metallopeptidase with thrombospondin type 1 motif 10; minus strand). Cytogenetic location: 19p13.2.
Variant type: single nucleotide variant.
Coding change: c.999G>T on transcript NM_030957.4 (MANE Select); coding-DNA position 999, G replaced by T.
Protein change: p.Glu333Asp; replaces glutamic acid 333 with aspartic acid.
Molecular consequence: missense variant.
Genome position (GRCh38, 1-based): chr19:8,597,028, C>A on the plus strand (G>T on the coding strand, the complement: ADAMTS10 is on the minus strand). VCF-style: chr19-8597028-C-A. GRCh37 (hg19) VCF-style: chr19-8661912-C-A.
Other names: short protein forms E333D.
Identifiers: ClinVar variation 1364576 (VCV001364576.6), dbSNP rs2042612974, ClinGen allele CA403755967.